The following is an entry in ClinVar:

NM_002439.5(MSH3):c.1717A>G (p.Arg573Gly)

Gene: MSH3 (mutS homolog 3; plus strand). Cytogenetic location: 5q14.1.
Variant type: single nucleotide variant.
Coding change: c.1717A>G on transcript NM_002439.5 (MANE Select); coding-DNA position 1717, A replaced by G.
Protein change: p.Arg573Gly; replaces arginine 573 with glycine.
Molecular consequence: missense variant.
Genome position (GRCh38, 1-based): chr5:80,744,569, A>G. VCF-style: chr5-80744569-A-G. GRCh37 (hg19) VCF-style: chr5-80040388-A-G.
Other names: short protein forms R573G.
Identifiers: ClinVar variation 1978916 (VCV001978916.4), dbSNP rs2546762065, ClinGen allele CA360274755.

ClinVar aggregate classification (germline): Uncertain significance (1 of 4 stars; one submission).

Submission:

Labcorp Genetics (formerly Invitae), Labcorp
Classification: Uncertain significance. Last evaluated: 2022-08-27. Review status: criteria provided, single submitter. Criteria: Invitae Variant Classification Sherloc (09022015). Collection method: clinical testing. Allele origin: germline.
Comment: In summary, the available evidence is currently insufficient to determine the role of this variant in disease. Therefore, it has been classified as a Variant of Uncertain Significance. Algorithms developed to predict the effect of missense changes on protein structure and function are either unavailable or do not agree on the potential impact of this missense change (SIFT: "Tolerated"; PolyPhen-2: "Possibly Damaging"; Align-GVGD: "Class C0"). This variant has not been reported in the literature in individuals affected with MSH3-related conditions. This variant is not present in population databases (gnomAD no frequency). This sequence change replaces arginine, which is basic and polar, with glycine, which is neutral and non-polar, at codon 573 of the MSH3 protein (p.Arg573Gly).